The following is an entry in ClinVar:

ClinVar aggregate classification (germline): Uncertain significance (1 of 4 stars; one submission).

Submission:

Labcorp Genetics (formerly Invitae), Labcorp
Classification: Uncertain significance. Last evaluated: 2022-01-01. Review status: criteria provided, single submitter. Criteria: Invitae Variant Classification Sherloc (09022015). Collection method: clinical testing. Allele origin: germline.
Comment: This sequence change replaces isoleucine, which is neutral and non-polar, with valine, which is neutral and non-polar, at codon 109 of the PEX3 protein (p.Ile109Val). This variant has not been reported in the literature in individuals affected with PEX3-related conditions. In summary, the available evidence is currently insufficient to determine the role of this variant in disease. Therefore, it has been classified as a Variant of Uncertain Significance. Algorithms developed to predict the effect of sequence changes on RNA splicing suggest that this variant may create or strengthen a splice site. Algorithms developed to predict the effect of missense changes on protein structure and function (SIFT, PolyPhen-2, Align-GVGD) all suggest that this variant is likely to be tolerated. This variant is not present in population databases (gnomAD no frequency).

NM_003630.3(PEX3):c.325A>G (p.Ile109Val)

Gene: PEX3 (peroxisomal biogenesis factor 3; plus strand). Cytogenetic location: 6q24.2.
Variant type: single nucleotide variant.
Coding change: c.325A>G on transcript NM_003630.3 (MANE Select); coding-DNA position 325, A replaced by G.
Protein change: p.Ile109Val; replaces isoleucine 109 with valine.
Molecular consequence: missense variant.
Genome position (GRCh38, 1-based): chr6:143,468,159, A>G. VCF-style: chr6-143468159-A-G. GRCh37 (hg19) VCF-style: chr6-143789296-A-G.
Other names: short protein forms I109V.
Identifiers: ClinVar variation 2068086 (VCV002068086.4), dbSNP rs2537193182, ClinGen allele CA365909169.